The following is an entry in ClinVar:

NM_001875.5(CPS1):c.155A>G (p.Asp52Gly)

Gene: CPS1 (carbamoyl-phosphate synthase 1; plus strand). Cytogenetic location: 2q34.
Variant type: single nucleotide variant.
Coding change: c.155A>G on transcript NM_001875.5 (MANE Select); coding-DNA position 155, A replaced by G.
Protein change: p.Asp52Gly; replaces aspartic acid 52 with glycine.
Molecular consequence: missense variant. On other transcripts: non-coding transcript variant (1).
Genome position (GRCh38, 1-based): chr2:210,573,326, A>G. VCF-style: chr2-210573326-A-G. GRCh37 (hg19) VCF-style: chr2-211438050-A-G.
Other names: c.155A>G, p.Asp52Gly (NM_001122633.3, NM_001369257.1); c.188A>G, p.Asp63Gly (NM_001369256.1); short protein forms D52G, D63G.
Identifiers: ClinVar variation 1422482 (VCV001422482.5), dbSNP rs779756731, ClinGen allele CA2085952.

ClinVar aggregate classification (germline): Uncertain significance (1 of 4 stars; one submission).

Conditions:
Congenital hyperammonemia, type I. Also called: CPS I DEFICIENCY; Carbamoyl-phosphate synthase I deficiency; Carbamoyl phosphate synthetase 1 deficiency; Hyperammonemia due to carbamoyl phosphate synthetase 1 deficiency; CPS 1 deficiency; Carbamyl phosphate synthetase (CPS) deficiency. Identifiers: Orphanet 147, MedGen C4082171, MONDO:0009376, OMIM 237300.

Allele frequency attached by ClinVar (database versions not stated): ExAC 0.00001; gnomAD exomes 0.00001; TOPMed 0.00001.
gnomAD v4.1: 9 of 1,613,210 alleles (0.00056%); highest among the groups gnomAD compares: Admixed American, 0.0083%; no homozygotes.

Submission:

Labcorp Genetics (formerly Invitae), Labcorp
Classification: Uncertain significance for Congenital hyperammonemia, type I. Last evaluated: 2022-09-27. Review status: criteria provided, single submitter. Criteria: Invitae Variant Classification Sherloc (09022015). Collection method: clinical testing. Allele origin: germline.
Comment: This sequence change replaces aspartic acid, which is acidic and polar, with glycine, which is neutral and non-polar, at codon 52 of the CPS1 protein (p.Asp52Gly). This variant is present in population databases (rs779756731, gnomAD 0.009%). This variant has not been reported in the literature in individuals affected with CPS1-related conditions. ClinVar contains an entry for this variant (Variation ID: 1422482). Advanced modeling of protein sequence and biophysical properties (such as structural, functional, and spatial information, amino acid conservation, physicochemical variation, residue mobility, and thermodynamic stability) has been performed at Invitae for this missense variant, however the output from this modeling did not meet the statistical confidence thresholds required to predict the impact of this variant on CPS1 protein function. Algorithms developed to predict the effect of sequence changes on RNA splicing suggest that this variant may create or strengthen a splice site. In summary, the available evidence is currently insufficient to determine the role of this variant in disease. Therefore, it has been classified as a Variant of Uncertain Significance.